The following is an entry in ClinVar:

ClinVar aggregate classification (germline): Uncertain significance (1 of 4 stars; one submission).

Allele frequency attached by ClinVar (database versions not stated): ExAC 0.00001; TOPMed 0.00003; gnomAD 0.00005; ESP Exome Variant Server 0.00012; 1000 Genomes Project 0.00020; 1000 Genomes Project 30x 0.00031.
gnomAD v4.1: 135 of 1,612,768 alleles (0.0084%); highest among the groups gnomAD compares: Non-Finnish European, 0.011%; no homozygotes.

Submission:

Labcorp Genetics (formerly Invitae), Labcorp
Classification: Uncertain significance. Last evaluated: 2022-07-30. Review status: criteria provided, single submitter. Criteria: Invitae Variant Classification Sherloc (09022015). Collection method: clinical testing. Allele origin: germline.
Comment: This sequence change replaces aspartic acid, which is acidic and polar, with glycine, which is neutral and non-polar, at codon 376 of the C2 protein (p.Asp376Gly). This variant is present in population databases (rs149061002, gnomAD 0.002%). This variant has not been reported in the literature in individuals affected with C2-related conditions. Algorithms developed to predict the effect of missense changes on protein structure and function (SIFT, PolyPhen-2, Align-GVGD) all suggest that this variant is likely to be disruptive. Algorithms developed to predict the effect of sequence changes on RNA splicing suggest that this variant may create or strengthen a splice site. In summary, the available evidence is currently insufficient to determine the role of this variant in disease. Therefore, it has been classified as a Variant of Uncertain Significance.

NM_000063.6(C2):c.1127A>G (p.Asp376Gly)

Genes: C2 (complement C2; plus strand), C2-AS1 (C2 antisense RNA 1; minus strand). Cytogenetic location: 6p21.33.
Variant type: single nucleotide variant.
Coding change: c.1127A>G on transcript NM_000063.6 (MANE Select); coding-DNA position 1127, A replaced by G.
Protein change: p.Asp376Gly; replaces aspartic acid 376 with glycine.
Molecular consequence: missense variant.
Genome position (GRCh38, 1-based): chr6:31,937,457, A>G. VCF-style: chr6-31937457-A-G. GRCh37 (hg19) VCF-style: chr6-31905234-A-G.
Other names: c.731A>G, p.Asp244Gly (NM_001145903.3); c.485A>G, p.Asp162Gly (NM_001178063.3); c.389A>G, p.Asp130Gly (NM_001282457.2); c.1040A>G, p.Asp347Gly (NM_001282458.2); short protein forms D244G, D130G, D347G, D162G, D376G.
Identifiers: ClinVar variation 1922749 (VCV001922749.2), dbSNP rs149061002, ClinGen allele CA3727617.